The following is an entry in ClinVar:

NM_000434.4(NEU1):c.607G>A (p.Gly203Ser)

Gene: NEU1 (neuraminidase 1; minus strand). Cytogenetic location: 6p21.33.
Variant type: single nucleotide variant.
Coding change: c.607G>A on transcript NM_000434.4 (MANE Select); coding-DNA position 607, G replaced by A.
Protein change: p.Gly203Ser; replaces glycine 203 with serine.
Molecular consequence: missense variant.
Genome position (GRCh38, 1-based): chr6:31,861,196, C>T on the plus strand (G>A on the coding strand, the complement: NEU1 is on the minus strand). VCF-style: chr6-31861196-C-T. GRCh37 (hg19) VCF-style: chr6-31828973-C-T.
Other names: short protein forms G203S.
Identifiers: ClinVar variation 972022 (VCV000972022.9), dbSNP rs1762492500, ClinGen allele CA363493428.

ClinVar aggregate classification (germline): Uncertain significance (1 of 4 stars; one submission).

Submission:

Labcorp Genetics (formerly Invitae), Labcorp
Classification: Uncertain significance. Last evaluated: 2019-10-16. Review status: criteria provided, single submitter. Criteria: Invitae Variant Classification Sherloc (09022015). Collection method: clinical testing. Allele origin: germline.
Comment: In summary, the available evidence is currently insufficient to determine the role of this variant in disease. Therefore, it has been classified as a Variant of Uncertain Significance. Algorithms developed to predict the effect of sequence changes on RNA splicing suggest that this variant may create or strengthen a splice site, but this prediction has not been confirmed by published transcriptional studies. Algorithms developed to predict the effect of missense changes on protein structure and function are either unavailable or do not agree on the potential impact of this missense change (SIFT: "Tolerated"; PolyPhen-2: "Probably Damaging"; Align-GVGD: "Class C0"). This variant has not been reported in the literature in individuals with NEU1-related conditions. This variant is not present in population databases (ExAC no frequency). This sequence change replaces glycine with serine at codon 203 of the NEU1 protein (p.Gly203Ser). The glycine residue is highly conserved and there is a small physicochemical difference between glycine and serine.